The following is an entry in ClinVar:

NM_001127208.3(TET2):c.1336T>A (p.Leu446Ile)

Genes: TET2 (tet methylcytosine dioxygenase 2; plus strand), TET2-AS1 (TET2 antisense RNA 1; minus strand). Cytogenetic location: 4q24.
Variant type: single nucleotide variant.
Coding change: c.1336T>A on transcript NM_001127208.3 (MANE Select); coding-DNA position 1336, T replaced by A.
Protein change: p.Leu446Ile; replaces leucine 446 with isoleucine.
Molecular consequence: missense variant.
Genome position (GRCh38, 1-based): chr4:105,235,278, T>A. VCF-style: chr4-105235278-T-A. GRCh37 (hg19) VCF-style: chr4-106156435-T-A.
Other names: c.1336T>A, p.Leu446Ile (NM_017628.4); short protein forms L446I.
Identifiers: ClinVar variation 3967541 (VCV003967541.1).
Genomic context (GRCh38, chr4:105,235,278, plus strand): 5'-CTGAATGGTGGAGTTTTAGAAGAACACCACCACTACCCCAACCAAAGTAACACAACACTT[T>A]TAAGGGAAGTGAAAATAGAGGGTAAACCTGAGGCACCACCTTCCCAGAGTCCTAATCCAT-3'
Protein context (NP_001120680.1, residues 436-456): HYPNQSNTTL[Leu446Ile]REVKIEGKPE

ClinVar aggregate classification (germline): Uncertain significance (1 of 4 stars; one submission).

gnomAD v4.1: 4 of 1,613,976 alleles (0.00025%); highest among the groups gnomAD compares: Non-Finnish European, 0.00034%; no homozygotes.

Submission:

Ambry Genetics
Classification: Uncertain significance. Last evaluated: 2025-04-06. Review status: criteria provided, single submitter. Criteria: Ambry Variant Classification Scheme 2023. Collection method: clinical testing. Allele origin: germline.
Comment: The p.L446I variant (also known as c.1336T>A), located in coding exon 1 of the TET2 gene, results from a T to A substitution at nucleotide position 1336. The leucine at codon 446 is replaced by isoleucine, an amino acid with highly similar properties. This amino acid position is conserved. In addition, this alteration is predicted to be tolerated by in silico analysis. Based on the available evidence, the clinical significance of this variant remains unclear.